The following is an entry in ClinVar:

NM_003001.5(SDHC):c.135T>C (p.Asn45=)

Gene: SDHC (succinate dehydrogenase complex subunit C; plus strand). Cytogenetic location: 1q23.3.
Variant type: single nucleotide variant.
Coding change: c.135T>C on transcript NM_003001.5 (MANE Select); coding-DNA position 135, T replaced by C.
Protein change: p.Asn45=; no amino-acid change (asparagine 45 retained).
Molecular consequence: synonymous variant. On other transcripts: non-coding transcript variant (1), intron variant (4).
Genome position (GRCh38, 1-based): chr1:161,328,453, T>C. VCF-style: chr1-161328453-T-C. GRCh37 (hg19) VCF-style: chr1-161298243-T-C.
Other names: c.135T>C, p.Asn45= (NM_001035511.3, NM_001407115.1); c.78T>C, p.Asn26= (NM_001407116.1, NM_001407117.1, NM_001407121.1); c.24T>C, p.Asn8= (NM_001407119.1, NM_001407120.1); c.77+4783T>C (NM_001035512.3, NM_001278172.3, NM_001407118.1); c.21-12141T>C (NM_001035513.3).
Identifiers: ClinVar variation 1573909 (VCV001573909.10), dbSNP rs2102307847, ClinGen allele CA421408530.

ClinVar aggregate classification (germline): Benign/Likely benign. Review status: criteria provided, multiple submitters, no conflicts (2 of 4 stars). 2 submissions from 2 submitters: Benign (1); Likely benign (1). Last evaluated 2025-03-14.

Conditions:
Pheochromocytoma/paraganglioma syndrome 3. Also called: GLOMUS TUMORS, FAMILIAL, 3; Paragangliomas 3; SDHC-Related Hereditary Paraganglioma-Pheochromocytoma Syndrome (Paragangliomas 3); SDHC-Related Hereditary Paraganglioma-Pheochromocytoma Syndrome. Identifiers: Orphanet 29072, MedGen C1854336, MONDO:0011544, OMIM 605373.
Gastrointestinal stromal tumor. Also called: Gastrointestinal stromal tumor, somatic; Gastrointestinal stroma tumor. Identifiers: Orphanet 44890, MedGen C0238198, MeSH D046152, MONDO:0011719, OMIM 606764, HP:0100723.

Submissions (2):

Myriad Genetics, Inc.
Classification: Benign for Pheochromocytoma/paraganglioma syndrome 3. Last evaluated: 2025-03-14. Review status: criteria provided, single submitter. Criteria: Myriad Autosomal Dominant, Autosomal Recessive and X-Linked Classification Criteria (2023). Collection method: clinical testing. Allele origin: unknown.
Comment: This variant is considered benign. This variant is a silent/synonymous amino acid change and it is not expected to impact splicing.

Labcorp Genetics (formerly Invitae), Labcorp
Classification: Likely benign for Pheochromocytoma/paraganglioma syndrome 3; Gastrointestinal stromal tumor. Last evaluated: 2022-03-08. Review status: criteria provided, single submitter. Criteria: Invitae Variant Classification Sherloc (09022015). Collection method: clinical testing. Allele origin: germline.